The following is an entry in ClinVar:

NM_015512.5(DNAH1):c.9850G>A (p.Glu3284Lys)

Gene: DNAH1 (dynein axonemal heavy chain 1; plus strand). Cytogenetic location: 3p21.1.
Variant type: single nucleotide variant.
Coding change: c.9850G>A on transcript NM_015512.5 (MANE Select); coding-DNA position 9850, G replaced by A.
Protein change: p.Glu3284Lys; replaces glutamic acid 3284 with lysine.
Molecular consequence: missense variant.
Genome position (GRCh38, 1-based): chr3:52,391,287, G>A. VCF-style: chr3-52391287-G-A. GRCh37 (hg19) VCF-style: chr3-52425303-G-A.
Other names: short protein forms E3284K.
Identifiers: ClinVar variation 544619 (VCV000544619.8), dbSNP rs376653399, ClinGen allele CA2435632.
Genomic context (GRCh38, chr3:52,391,287, plus strand): 5'-CTGCGCAGCATGGAGAACGCCATCCGCTTTGGCAAGCCATGTCTCCTGGAGAACGTGGGC[G>A]AGGAGCTAGACCCAGCCCTGGAGCCAGTGCTGCTCAAGCAGGTGGGTCTGCAGTGGTGAT-3'
Protein context (NP_056327.4, residues 3274-3294): GKPCLLENVG[Glu3284Lys]ELDPALEPVL

ClinVar aggregate classification (germline): Likely pathogenic (1 of 4 stars; one submission).

Conditions:
Spermatogenic failure 18. Identifiers: MedGen C4539783, MONDO:0054615, OMIM 617576.
Ciliary dyskinesia, primary, 37 (CILD37). Also called: CILIARY DYSKINESIA, PRIMARY, 37, WITH OR WITHOUT SITUS INVERSUS. Identifiers: MedGen C4539798, MONDO:0033204, OMIM 617577.

Allele frequency attached by ClinVar (database versions not stated): gnomAD exomes 0.00001 and 0.00003; gnomAD 0.00003; ExAC 0.00005; TOPMed 0.00006; ESP Exome Variant Server 0.00016.

Submission:

Labcorp Genetics (formerly Invitae), Labcorp
Classification: Likely pathogenic for Ciliary dyskinesia, primary, 37; Spermatogenic failure 18. Last evaluated: 2024-05-08. Review status: criteria provided, single submitter. Criteria: Invitae Variant Classification Sherloc (09022015). Collection method: clinical testing. Allele origin: germline.
Comment: This sequence change replaces glutamic acid, which is acidic and polar, with lysine, which is basic and polar, at codon 3284 of the DNAH1 protein (p.Glu3284Lys). This variant is present in population databases (rs376653399, gnomAD 0.04%). This missense change has been observed in individuals with DNAH1-related conditions (PMID: 28577616; Invitae). ClinVar contains an entry for this variant (Variation ID: 544619). Advanced modeling of protein sequence and biophysical properties (such as structural, functional, and spatial information, amino acid conservation, physicochemical variation, residue mobility, and thermodynamic stability) performed at Invitae indicates that this missense variant is expected to disrupt DNAH1 protein function with a positive predictive value of 80%. In summary, the currently available evidence indicates that the variant is pathogenic, but additional data are needed to prove that conclusively. Therefore, this variant has been classified as Likely Pathogenic.

Literature cited by the submitters: PubMed 28577616.